The following is an entry in ClinVar:

NM_198075.4(LRRC56):c.385G>A (p.Ala129Thr)

Gene: LRRC56 (leucine rich repeat containing 56; plus strand). Cytogenetic location: 11p15.5.
Variant type: single nucleotide variant.
Coding change: c.385G>A on transcript NM_198075.4 (MANE Select); coding-DNA position 385, G replaced by A.
Protein change: p.Ala129Thr; replaces alanine 129 with threonine.
Molecular consequence: missense variant.
Genome position (GRCh38, 1-based): chr11:549,960, G>A. VCF-style: chr11-549960-G-A. GRCh37 (hg19) VCF-style: chr11-549960-G-A.
Other names: c.385G>A (NM_198075.3); short protein forms A129T.
Identifiers: ClinVar variation 1496810 (VCV001496810.7), dbSNP rs113808353, ClinGen allele CA216894546.
Genomic context (GRCh38, chr11:549,960, plus strand): 5'-AGGGACTTGGGCACGTCTCTGGGCCACCTGCAGGTGCTGTGGCTGGCTCGCTGTGGCCTC[G>A]CTGACCTGGATGGCATCGCCTCTTTGCCAGCACTTAAGGTGAGTCTGGGCACCCTGGGCT-3'
Protein context (NP_932341.1, residues 119-139): QVLWLARCGL[Ala129Thr]DLDGIASLPA

ClinVar aggregate classification (germline): Conflicting classifications of pathogenicity. Review status: criteria provided, conflicting classifications (1 of 4 stars). 2 submissions from 2 submitters: Uncertain significance (1); Likely benign (1). Last evaluated 2025-03-21.

Allele frequency attached by ClinVar (database versions not stated): gnomAD exomes 0.00001.

Submissions (2):

Ambry Genetics
Classification: Likely benign. Last evaluated: 2025-03-21. Review status: criteria provided, single submitter. Criteria: Ambry Variant Classification Scheme 2023. Collection method: clinical testing. Allele origin: germline.

Labcorp Genetics (formerly Invitae), Labcorp
Classification: Uncertain significance. Last evaluated: 2024-12-16. Review status: criteria provided, single submitter. Criteria: Invitae Variant Classification Sherloc (09022015). Collection method: clinical testing. Allele origin: germline.
Comment: This sequence change replaces alanine, which is neutral and non-polar, with threonine, which is neutral and polar, at codon 129 of the LRRC56 protein (p.Ala129Thr). This variant is present in population databases (rs113808353, gnomAD 0.009%). This variant has not been reported in the literature in individuals affected with LRRC56-related conditions. ClinVar contains an entry for this variant (Variation ID: 1496810). Invitae Evidence Modeling of protein sequence and biophysical properties (such as structural, functional, and spatial information, amino acid conservation, physicochemical variation, residue mobility, and thermodynamic stability) indicates that this missense variant is not expected to disrupt LRRC56 protein function with a negative predictive value of 80%. In summary, the available evidence is currently insufficient to determine the role of this variant in disease. Therefore, it has been classified as a Variant of Uncertain Significance.